The following is an entry in ClinVar:

NM_000388.4(CASR):c.1498G>A (p.Asp500Asn)

Gene: CASR (calcium sensing receptor; plus strand). Cytogenetic location: 3q21.1.
Variant type: single nucleotide variant.
Coding change: c.1498G>A on transcript NM_000388.4 (MANE Select); coding-DNA position 1498, G replaced by A.
Protein change: p.Asp500Asn; replaces aspartic acid 500 with asparagine.
Molecular consequence: missense variant.
Genome position (GRCh38, 1-based): chr3:122,275,932, G>A. VCF-style: chr3-122275932-G-A. GRCh37 (hg19) VCF-style: chr3-121994779-G-A.
Other names: c.1498G>A (NM_000388.3); c.1498G>A, p.Asp500Asn (NM_001178065.2); short protein forms D500N.
Identifiers: ClinVar variation 1358647 (VCV001358647.8), dbSNP rs1156349993, ClinGen allele CA354155228.

ClinVar aggregate classification (germline): Uncertain significance. Review status: criteria provided, multiple submitters, no conflicts (2 of 4 stars). 3 submissions from 3 submitters: Uncertain significance (3). Last evaluated 2025-10-13.

Conditions:
Familial hypocalciuric hypercalcemia 1. Also called: Hypercalcemia, familial benign type 1. Identifiers: Orphanet 405, Orphanet 93372, MedGen C0342637, MONDO:0007791, OMIM 145980.
Neonatal severe primary hyperparathyroidism. Identifiers: Orphanet 417, MedGen C1832615, MONDO:0009397, OMIM 239200.
Epilepsy, idiopathic generalized, susceptibility to, 8. Identifiers: MedGen C2752062, MONDO:0013032, OMIM 612899.
Autosomal dominant hypocalcemia 1 (HYPOC1). Also called: HYPOCALCEMIA, FAMILIAL. Identifiers: MedGen C3715128, MONDO:0011013, OMIM 601198.
Nephrolithiasis/nephrocalcinosis. Identifiers: MedGen CN580796.
Familial hypocalciuric hypercalcemia (FHH). Also called: Familial benign hypercalcemia. Identifiers: Orphanet 405, MedGen C1809471, MONDO:0018458.

Allele frequency attached by ClinVar (database versions not stated): gnomAD exomes below 0.00001.
gnomAD v4.1: 1 of 1,614,126 alleles (0.000062%); highest among the groups gnomAD compares: Admixed American, 0.0017%; no homozygotes.

Submissions (3):

Labcorp Genetics (formerly Invitae), Labcorp
Classification: Uncertain significance for Familial hypocalciuric hypercalcemia; Autosomal dominant hypocalcemia 1. Last evaluated: 2025-10-13. Review status: criteria provided, single submitter. Criteria: Invitae Variant Classification Sherloc (09022015). Collection method: clinical testing. Allele origin: germline.
Comment: This sequence change replaces aspartic acid, which is acidic and polar, with asparagine, which is neutral and polar, at codon 500 of the CASR protein (p.Asp500Asn). This variant is present in population databases (no rsID available, gnomAD 0.003%). This variant has not been reported in the literature in individuals affected with CASR-related conditions. ClinVar contains an entry for this variant (Variation ID: 1358647). An algorithm developed to predict the effect of missense changes on protein structure and function (PolyPhen-2) suggests that this variant is likely to be disruptive. In summary, the available evidence is currently insufficient to determine the role of this variant in disease. Therefore, it has been classified as a Variant of Uncertain Significance.

Ambry Genetics
Classification: Uncertain significance for Nephrolithiasis/nephrocalcinosis. Last evaluated: 2023-02-28. Review status: criteria provided, single submitter. Criteria: Ambry Variant Classification Scheme 2023. Collection method: clinical testing. Allele origin: germline.
Comment: The p.D500N variant (also known as c.1498G>A), located in coding exon 4 of the CASR gene, results from a G to A substitution at nucleotide position 1498. The aspartic acid at codon 500 is replaced by asparagine, an amino acid with highly similar properties. This amino acid position is conserved. In addition, this alteration is predicted to be tolerated by in silico analysis. Since supporting evidence is limited at this time, the clinical significance of this alteration remains unclear.

Fulgent Genetics
Classification: Uncertain significance for Familial hypocalciuric hypercalcemia 1; Neonatal severe primary hyperparathyroidism; Autosomal dominant hypocalcemia 1; Epilepsy, idiopathic generalized, susceptibility to, 8. Last evaluated: 2022-04-06. Review status: criteria provided, single submitter. Criteria: ACMG Guidelines, 2015. Collection method: clinical testing. Allele origin: unknown.